The following is an entry in ClinVar:

NM_031407.7(HUWE1):c.8631_8654del (p.Glu2881_Ser2888del)

Gene: HUWE1 (HECT, UBA and WWE domain containing E3 ubiquitin protein ligase 1; minus strand). Cytogenetic location: Xp11.22.
Variant type: Deletion.
Coding change: c.8631_8654del on transcript NM_031407.7 (MANE Select); coding-DNA positions 8631 to 8654, 24 bases deleted (TGGCAGTTCTGAGCAGCCCAGAGC).
Protein change: p.Glu2881_Ser2888del.
Molecular consequence: inframe deletion.
Genome position (GRCh38, 1-based): chrX:53,552,734-53,552,757, GCTCTGGGCTGCTCAGAACTGCCA deleted on the plus strand (TGGCAGTTCTGAGCAGCCCAGAGC on the coding strand, the reverse complement: HUWE1 is on the minus strand); deleting any 24 consecutive bases within chrX:53,552,734-53,552,760 gives the same sequence; the c. name uses the placement nearest the transcript's 3' end. VCF-style (leftmost placement, unchanged base first): chrX-53552733-TGCTCTGGGCTGCTCAGAACTGCCA-T. GRCh37 (hg19) VCF-style: chrX-53579694-TGCTCTGGGCTGCTCAGAACTGCCA-T.
Identifiers: ClinVar variation 2262206 (VCV002262206.6), dbSNP rs2523426848, ClinGen allele CA2580101216.

ClinVar aggregate classification (germline): Uncertain significance. Review status: criteria provided, multiple submitters, no conflicts (2 of 4 stars). 3 submissions from 3 submitters: Uncertain significance (3). Last evaluated 2025-08-11.

Conditions:
Intellectual developmental disorder, X-linked, syndromic, Turner type. Also called: X-linked intellectual disability, Turner type; Intellectual disability, X-linked syndromic, Turner type. Identifiers: Orphanet 3056, Orphanet 85328, MedGen C2678046, MONDO:0010407, OMIM 309590.
Inborn genetic diseases. Identifiers: MedGen C0950123, MeSH D030342.

Submissions (3):

3billion
Classification: Uncertain significance for Intellectual developmental disorder, X-linked, syndromic, Turner type. Last evaluated: 2025-08-11. Review status: criteria provided, single submitter. Criteria: ACMG Guidelines, 2015. Collection method: clinical testing. Allele origin: germline. Affected: yes.
Comment: The variant is observed at an extremely low frequency in the gnomAD v4.1.0 dataset (total allele frequency: <0.001%). Predicted Consequence/Location: Inframe deletion located in a nonrepeat region: predicted to change the length of the protein and disrupt normal protein function. The variant has been reported as of uncertain significance (ClinVar ID: VCV002262206). Therefore, this variant is classified as VUS according to the recommendation of ACMG/AMP guideline.

Labcorp Genetics (formerly Invitae), Labcorp
Classification: Uncertain significance. Last evaluated: 2023-07-16. Review status: criteria provided, single submitter. Criteria: Invitae Variant Classification Sherloc (09022015). Collection method: clinical testing. Allele origin: germline.
Comment: This variant, c.8631_8654del, results in the deletion of 8 amino acid(s) of the HUWE1 protein (p.Glu2881_Ser2888del), but otherwise preserves the integrity of the reading frame. This variant is not present in population databases (gnomAD no frequency). This variant has not been reported in the literature in individuals affected with HUWE1-related conditions. ClinVar contains an entry for this variant (Variation ID: 2262206). Experimental studies and prediction algorithms are not available or were not evaluated, and the functional significance of this variant is currently unknown. In summary, the available evidence is currently insufficient to determine the role of this variant in disease. Therefore, it has been classified as a Variant of Uncertain Significance.

Ambry Genetics
Classification: Uncertain significance for Inborn genetic diseases. Last evaluated: 2021-12-16. Review status: criteria provided, single submitter. Criteria: Ambry Variant Classification Scheme 2023. Collection method: clinical testing. Allele origin: germline.
Comment: The c.8631_8654del24 (p.E2881_S2888del) alteration is located in exon 62 (coding exon 59) of the HUWE1 gene. This alteration consists of an in-frame deletion of 24 nucleotides between nucleotide positions c.8631 and c.8654, resulting in the deletion of 8 residues. Based on insufficient or conflicting evidence, the clinical significance of this alteration remains unclear.